The following is an entry in ClinVar:

ClinVar aggregate classification (germline): Uncertain significance. Review status: criteria provided, multiple submitters, no conflicts (2 of 4 stars). 2 submissions from 2 submitters: Uncertain significance (2). Last evaluated 2022-11-22.

Conditions:
Tay-Sachs disease (TSD). Also called: HEXA DEFICIENCY; GM2 gangliosidosis, type 1; Hexosaminidase alpha-subunit deficiency (variant B); Sphingolipidosis, Tay-Sachs; Hexosaminidase A Deficiency; HEXA Disorders. Identifiers: Orphanet 845, MedGen C0039373, MONDO:0010100, OMIM 272800.

Allele frequency attached by ClinVar (database versions not stated): gnomAD 0.00001; gnomAD exomes 0.00001; TOPMed 0.00002.
gnomAD v4.1: 14 of 1,614,014 alleles (0.00087%); highest among the groups gnomAD compares: South Asian, 0.0033%; no homozygotes.

Submissions (2):

GeneDx
Classification: Uncertain significance. Last evaluated: 2022-11-22. Review status: criteria provided, single submitter. Criteria: GeneDx Variant Classification Process June 2021. Collection method: clinical testing. Allele origin: germline. Affected: yes.
Comment: Not observed at significant frequency in large population cohorts (gnomAD); In silico analysis supports that this missense variant has a deleterious effect on protein structure/function; Has not been previously published as pathogenic or benign to our knowledge

Labcorp Genetics (formerly Invitae), Labcorp
Classification: Uncertain significance for Tay-Sachs disease. Last evaluated: 2021-12-17. Review status: criteria provided, single submitter. Criteria: Invitae Variant Classification Sherloc (09022015). Collection method: clinical testing. Allele origin: germline.
Comment: This sequence change replaces arginine, which is basic and polar, with glutamine, which is neutral and polar, at codon 247 of the HEXA protein (p.Arg247Gln). This variant is present in population databases (no rsID available, gnomAD 0.003%). This variant has not been reported in the literature in individuals affected with HEXA-related conditions. Algorithms developed to predict the effect of missense changes on protein structure and function are either unavailable or do not agree on the potential impact of this missense change (SIFT: "Deleterious"; PolyPhen-2: "Probably Damaging"; Align-GVGD: "Class C0"). In summary, the available evidence is currently insufficient to determine the role of this variant in disease. Therefore, it has been classified as a Variant of Uncertain Significance.

NM_000520.6(HEXA):c.740G>A (p.Arg247Gln)

Gene: HEXA (hexosaminidase subunit alpha; minus strand). Cytogenetic location: 15q23.
Variant type: single nucleotide variant.
Coding change: c.740G>A on transcript NM_000520.6 (MANE Select); coding-DNA position 740, G replaced by A.
Protein change: p.Arg247Gln; replaces arginine 247 with glutamine.
Molecular consequence: missense variant. On other transcripts: non-coding transcript variant (1).
Genome position (GRCh38, 1-based): chr15:72,350,583, C>T on the plus strand (G>A on the coding strand, the complement: HEXA is on the minus strand). VCF-style: chr15-72350583-C-T. GRCh37 (hg19) VCF-style: chr15-72642924-C-T.
Other names: c.740G>A (NM_000520.4); c.773G>A, p.Arg258Gln (NM_001318825.2); short protein forms R247Q, R258Q.
Identifiers: ClinVar variation 1390016 (VCV001390016.3), dbSNP rs1360213217, ClinGen allele CA393063137.